The following is an entry in ClinVar:

ClinVar aggregate classification (germline): Pathogenic (1 of 4 stars; one submission).

Allele frequency attached by ClinVar (database versions not stated): gnomAD exomes below 0.00001.
gnomAD v4.1: 1 of 1,613,976 alleles (0.000062%); highest among the groups gnomAD compares: Admixed American, 0.0017%; no homozygotes.

Submission:

Labcorp Genetics (formerly Invitae), Labcorp
Classification: Pathogenic. Last evaluated: 2023-06-05. Review status: criteria provided, single submitter. Criteria: Invitae Variant Classification Sherloc (09022015). Collection method: clinical testing. Allele origin: germline.
Comment: For these reasons, this variant has been classified as Pathogenic. This variant has not been reported in the literature in individuals affected with POLE-related conditions. This sequence change creates a premature translational stop signal (p.Gln196*) in the POLE gene. It is expected to result in an absent or disrupted protein product. Loss-of-function variants in POLE are known to be pathogenic (PMID: 23230001, 25948378, 30503519). This variant is present in population databases (no rsID available, gnomAD 0.003%).

Literature cited by the submitters: PubMed 23230001; PubMed 25948378; PubMed 30503519.

NM_006231.4(POLE):c.586C>T (p.Gln196Ter)

Gene: POLE (DNA polymerase epsilon, catalytic subunit; minus strand). Cytogenetic location: 12q24.33.
Variant type: single nucleotide variant.
Coding change: c.586C>T on transcript NM_006231.4 (MANE Select); coding-DNA position 586, C replaced by T.
Protein change: p.Gln196Ter; replaces glutamine 196 with a stop codon.
Molecular consequence: nonsense.
Genome position (GRCh38, 1-based): chr12:132,677,712, G>A on the plus strand (C>T on the coding strand, the complement: POLE is on the minus strand). VCF-style: chr12-132677712-G-A. GRCh37 (hg19) VCF-style: chr12-133254298-G-A.
Other names: short protein forms Q196*.
Identifiers: ClinVar variation 2770181 (VCV002770181.3), dbSNP rs1319872290, ClinGen allele CA387365477.